The following is an entry in ClinVar:

NM_000135.4(FANCA):c.3344A>G (p.Glu1115Gly)

Gene: FANCA (FA complementation group A; minus strand). Cytogenetic location: 16q24.3.
Variant type: single nucleotide variant.
Coding change: c.3344A>G on transcript NM_000135.4 (MANE Select); coding-DNA position 3344, A replaced by G.
Protein change: p.Glu1115Gly; replaces glutamic acid 1115 with glycine.
Molecular consequence: missense variant.
Genome position (GRCh38, 1-based): chr16:89,748,663, T>C on the plus strand (A>G on the coding strand, the complement: FANCA is on the minus strand). VCF-style: chr16-89748663-T-C. GRCh37 (hg19) VCF-style: chr16-89815071-T-C.
Other names: p.Glu1115Gly; c.3344A>G, p.Glu1115Gly (NM_001286167.3); c.3344A>G (NM_000135.2); short protein forms E1115G.
Identifiers: ClinVar variation 376775 (VCV000376775.16), dbSNP rs1057520051, ClinGen allele CA16603163.

ClinVar aggregate classification (germline): Uncertain significance. Review status: criteria provided, multiple submitters, no conflicts (2 of 4 stars). 5 submissions from 5 submitters: Uncertain significance (4). 1 of the submissions does not count toward it. Last evaluated 2025-03-19.

Conditions:
Inborn genetic diseases. Identifiers: MedGen C0950123, MeSH D030342.
Fanconi anemia (FA). Also called: Fanconi's anemia. Identifiers: Orphanet 84, MedGen C0015625, MeSH D005199, MONDO:0019391.

Allele frequency attached by ClinVar (database versions not stated): gnomAD exomes below 0.00001 and 0.00001.
gnomAD v4.1: 4 of 1,613,476 alleles (0.00025%); highest among the groups gnomAD compares: Non-Finnish European, 0.00034%; no homozygotes.

Submissions (5):

Ambry Genetics
Classification: Uncertain significance for Inborn genetic diseases. Last evaluated: 2025-03-19. Review status: criteria provided, single submitter. Criteria: Ambry Variant Classification Scheme 2023. Collection method: clinical testing. Allele origin: germline.
Comment: The p.E1115G variant (also known as c.3344A>G), located in coding exon 33 of the FANCA gene, results from an A to G substitution at nucleotide position 3344. The glutamic acid at codon 1115 is replaced by glycine, an amino acid with similar properties. This amino acid position is conserved. In addition, the in silico prediction for this alteration is inconclusive. Based on the available evidence, the clinical significance of this variant remains unclear.

Labcorp Genetics (formerly Invitae), Labcorp
Classification: Uncertain significance for Fanconi anemia. Last evaluated: 2023-12-07. Review status: criteria provided, single submitter. Criteria: Invitae Variant Classification Sherloc (09022015). Collection method: clinical testing. Allele origin: germline.
Comment: This sequence change replaces glutamic acid, which is acidic and polar, with glycine, which is neutral and non-polar, at codon 1115 of the FANCA protein (p.Glu1115Gly). This variant is present in population databases (no rsID available, gnomAD 0.0009%). This variant has not been reported in the literature in individuals affected with FANCA-related conditions. ClinVar contains an entry for this variant (Variation ID: 376775). Advanced modeling of protein sequence and biophysical properties (such as structural, functional, and spatial information, amino acid conservation, physicochemical variation, residue mobility, and thermodynamic stability) performed at Invitae indicates that this missense variant is expected to disrupt FANCA protein function with a positive predictive value of 80%. In summary, the available evidence is currently insufficient to determine the role of this variant in disease. Therefore, it has been classified as a Variant of Uncertain Significance.

Mayo Clinic Laboratories, Mayo Clinic
Classification: Uncertain significance. Last evaluated: 2021-08-16. Review status: criteria provided, single submitter. Criteria: ACMG Guidelines, 2015. Collection method: clinical testing. Allele origin: germline.

Center for Pediatric Genomic Medicine, Children's Mercy Hospital and Clinics
Classification: Uncertain significance. Last evaluated: 2016-07-12. Review status: criteria provided, single submitter. Criteria: ACMG Guidelines, 2015. Collection method: clinical testing. Allele origin: germline.
ClinVar note: Converted during submission from Uncertain Significance to Uncertain significance.

Natera, Inc.
Classification: Uncertain significance for Fanconi anemia. Last evaluated: 2020-12-16. Review status: no assertion criteria provided. Collection method: clinical testing. Allele origin: germline. Not counted in ClinVar's aggregate classification.